The following is an entry in ClinVar:

NM_031935.3(HMCN1):c.9049G>C (p.Gly3017Arg)

Gene: HMCN1 (hemicentin 1; plus strand). Cytogenetic location: 1q31.1.
Variant type: single nucleotide variant.
Coding change: c.9049G>C on transcript NM_031935.3 (MANE Select); coding-DNA position 9049, G replaced by C.
Protein change: p.Gly3017Arg; replaces glycine 3017 with arginine.
Molecular consequence: missense variant.
Genome position (GRCh38, 1-based): chr1:186,087,219, G>C. VCF-style: chr1-186087219-G-C. GRCh37 (hg19) VCF-style: chr1-186056351-G-C.
Other names: short protein forms G3017R.
Identifiers: ClinVar variation 2967675 (VCV002967675.3), dbSNP rs772406590, ClinGen allele CA1293308.

ClinVar aggregate classification (germline): Uncertain significance (1 of 4 stars; one submission).

Allele frequency attached by ClinVar (database versions not stated): ExAC 0.00001; TOPMed 0.00002.
gnomAD v4.1: 5 of 1,600,714 alleles (0.00031%); highest among the groups gnomAD compares: East Asian, 0.0067%; no homozygotes.

Submission:

Labcorp Genetics (formerly Invitae), Labcorp
Classification: Uncertain significance. Last evaluated: 2022-11-04. Review status: criteria provided, single submitter. Criteria: Invitae Variant Classification Sherloc (09022015). Collection method: clinical testing. Allele origin: germline.
Comment: This variant is present in population databases (rs772406590, gnomAD 0.01%). This sequence change replaces glycine, which is neutral and non-polar, with arginine, which is basic and polar, at codon 3017 of the HMCN1 protein (p.Gly3017Arg). This variant has not been reported in the literature in individuals affected with HMCN1-related conditions. In summary, the available evidence is currently insufficient to determine the role of this variant in disease. Therefore, it has been classified as a Variant of Uncertain Significance. Algorithms developed to predict the effect of missense changes on protein structure and function (SIFT, PolyPhen-2, Align-GVGD) all suggest that this variant is likely to be disruptive.